The following is an entry in ClinVar:

NM_000553.6(WRN):c.1466C>A (p.Pro489Gln)

Gene: WRN (WRN RecQ like helicase; plus strand). Cytogenetic location: 8p12.
Variant type: single nucleotide variant.
Coding change: c.1466C>A on transcript NM_000553.6 (MANE Select); coding-DNA position 1466, C replaced by A.
Protein change: p.Pro489Gln; replaces proline 489 with glutamine.
Molecular consequence: missense variant.
Genome position (GRCh38, 1-based): chr8:31,087,810, C>A. VCF-style: chr8-31087810-C-A. GRCh37 (hg19) VCF-style: chr8-30945326-C-A.
Other names: p.Pro489Gln; short protein forms P489Q.
Identifiers: ClinVar variation 2139816 (VCV002139816.5), dbSNP rs750052448, ClinGen allele CA370924323.

ClinVar aggregate classification (germline): Uncertain significance. Review status: criteria provided, multiple submitters, no conflicts (2 of 4 stars). 2 submissions from 2 submitters: Uncertain significance (2). Last evaluated 2024-09-24.

Conditions:
Werner syndrome (WRN). Identifiers: Orphanet 902, MedGen C0043119, MONDO:0010196, OMIM 277700.

Submissions (2):

Mayo Clinic Laboratories, Mayo Clinic
Classification: Uncertain significance. Last evaluated: 2024-09-24. Review status: criteria provided, single submitter. Criteria: ACMG Guidelines, 2015. Collection method: clinical testing. Allele origin: germline. Observed: 1 variant allele.
Comment: BP4, PM2

Labcorp Genetics (formerly Invitae), Labcorp
Classification: Uncertain significance for Werner syndrome. Last evaluated: 2022-07-15. Review status: criteria provided, single submitter. Criteria: Invitae Variant Classification Sherloc (09022015). Collection method: clinical testing. Allele origin: germline.
Comment: This sequence change replaces proline, which is neutral and non-polar, with glutamine, which is neutral and polar, at codon 489 of the WRN protein (p.Pro489Gln). This variant is not present in population databases (gnomAD no frequency). This variant has not been reported in the literature in individuals affected with WRN-related conditions. Algorithms developed to predict the effect of missense changes on protein structure and function output the following: SIFT: "Not Available"; PolyPhen-2: "Benign"; Align-GVGD: "Not Available". The glutamine amino acid residue is found in multiple mammalian species, which suggests that this missense change does not adversely affect protein function. In summary, the available evidence is currently insufficient to determine the role of this variant in disease. Therefore, it has been classified as a Variant of Uncertain Significance.